The following is an entry in ClinVar:

ClinVar aggregate classification (germline): Uncertain significance (1 of 4 stars; one submission).

Submission:

GeneDx
Classification: Uncertain significance. Last evaluated: 2025-04-02. Review status: criteria provided, single submitter. Criteria: GeneDx Variant Classification Process June 2021. Collection method: clinical testing. Allele origin: germline. Affected: yes.
Comment: Not observed at significant frequency in large population cohorts (gnomAD); In silico analysis supports that this missense variant has a deleterious effect on protein structure/function; Has not been previously published as pathogenic or benign to our knowledge

NM_022168.4(IFIH1):c.259G>C (p.Gly87Arg)

Gene: IFIH1 (interferon induced with helicase C domain 1; minus strand). Cytogenetic location: 2q24.2.
Variant type: single nucleotide variant.
Coding change: c.259G>C on transcript NM_022168.4 (MANE Select); coding-DNA position 259, G replaced by C.
Protein change: p.Gly87Arg; replaces glycine 87 with arginine.
Molecular consequence: missense variant.
Genome position (GRCh38, 1-based): chr2:162,318,049, C>G on the plus strand (G>C on the coding strand, the complement: IFIH1 is on the minus strand). VCF-style: chr2-162318049-C-G. GRCh37 (hg19) VCF-style: chr2-163174559-C-G.
Other names: short protein forms G87R.
Identifiers: ClinVar variation 4278500 (VCV004278500.1).